The following is an entry in ClinVar:

NM_004360.5(CDH1):c.158G>C (p.Gly53Ala)

Gene: CDH1 (cadherin 1; plus strand). Cytogenetic location: 16q22.1.
Variant type: single nucleotide variant.
Coding change: c.158G>C on transcript NM_004360.5 (MANE Select); coding-DNA position 158, G replaced by C.
Protein change: p.Gly53Ala; replaces glycine 53 with alanine.
Molecular consequence: missense variant. On other transcripts: 5 prime UTR variant (2).
Genome position (GRCh38, 1-based): chr16:68,738,406, G>C. VCF-style: chr16-68738406-G-C. GRCh37 (hg19) VCF-style: chr16-68772309-G-C.
Other names: c.158G>C, p.Gly53Ala (NM_001317184.2); c.-1458G>C (NM_001317185.2); c.-1662G>C (NM_001317186.2); c.158G>C (LRG_301t1); short protein forms G53A.
Identifiers: ClinVar variation 232316 (VCV000232316.5), dbSNP rs876659692, ClinGen allele CA10580075.

ClinVar aggregate classification (germline): Uncertain significance (1 of 4 stars; one submission).

Conditions:
Hereditary cancer-predisposing syndrome. Also called: Neoplastic Syndromes, Hereditary; Tumor predisposition; Hereditary Cancer Syndrome; Hereditary neoplastic syndrome. Identifiers: Orphanet 140162, MedGen C0027672, MeSH D009386, MONDO:0015356.

gnomAD v4.1: 1 of 1,545,422 alleles (0.000065%); highest among the groups gnomAD compares: Non-Finnish European, 0.000088%; no homozygotes.

Submission:

Ambry Genetics
Classification: Uncertain significance for Hereditary cancer-predisposing syndrome. Last evaluated: 2015-06-16. Review status: criteria provided, single submitter. Criteria: Ambry Variant Classification Scheme 2023. Collection method: clinical testing. Allele origin: germline.
Comment: The p.G53A variant (also known as c.158G>C), located in coding exon 2 of the CDH1 gene, results from a G to C substitution at nucleotide position 158. The glycine at codon 53 is replaced by alanine, an amino acid with similar properties. This variant was not reported in population based cohorts in the following databases: Database of Single Nucleotide Polymorphisms (dbSNP), NHLBI Exome Sequencing Project (ESP), and 1000 Genomes Project. In the ESP, this variant was not observed in 5321 samples (10642 alleles) with coverage at this position. To date, this alteration has been detected with an allele frequency of approximately 0.001% (greater than 105000 alleles tested) in our clinical cohort. This amino acid position is highly conserved in available vertebrate species. In addition, this alteration is predicted to be possibly damaging and tolerated by PolyPhen and SIFT in silico analyses, respectively. Since supporting evidence is limited at this time, the clinical significance of p.G53A remains unclear.